The following is an entry in ClinVar:

ClinVar aggregate classification (germline): Likely benign (0 of 4 stars; one submission).

Conditions:
FZD2-related disorder. Also called: FZD2-related condition.

Allele frequency attached by ClinVar (database versions not stated): TOPMed 0.00001.
gnomAD v4.1: 49 of 1,473,542 alleles (0.0033%); highest among the groups gnomAD compares: Non-Finnish European, 0.0042%; no homozygotes.

Submission:

PreventionGenetics, part of Exact Sciences
Classification: Likely benign for FZD2-related condition. Last evaluated: 2019-02-19. Review status: no assertion criteria provided. Collection method: clinical testing. Allele origin: germline.
Comment: This variant is classified as likely benign based on ACMG/AMP sequence variant interpretation guidelines (Richards et al. 2015 PMID: 25741868, with internal and published modifications).

NM_001466.4(FZD2):c.510G>C (p.Pro170=)

Gene: FZD2 (frizzled class receptor 2; plus strand). Cytogenetic location: 17q21.31.
Variant type: single nucleotide variant.
Coding change: c.510G>C on transcript NM_001466.4 (MANE Select); coding-DNA position 510, G replaced by C.
Protein change: p.Pro170=; no amino-acid change (proline 170 retained).
Molecular consequence: synonymous variant.
Genome position (GRCh38, 1-based): chr17:44,558,198, G>C. VCF-style: chr17-44558198-G-C. GRCh37 (hg19) VCF-style: chr17-42635566-G-C.
Identifiers: ClinVar variation 3057013 (VCV003057013.2), dbSNP rs1057399025, ClinGen allele CA500627041.